The following is an entry in ClinVar:

ClinVar aggregate classification (germline): Likely benign (1 of 4 stars; one submission).

Allele frequency attached by ClinVar (database versions not stated): gnomAD exomes 0.00007; TOPMed 0.00007; ExAC 0.00008; gnomAD 0.00008 and 0.00010.

Submission:

GeneDx
Classification: Likely benign. Last evaluated: 2021-06-10. Review status: criteria provided, single submitter. Criteria: GeneDx Variant Classification Process June 2021. Collection method: clinical testing. Allele origin: germline. Affected: yes.
Comment: This variant is associated with the following publications: (PMID: 27535533)

NM_005472.5(KCNE3):c.*3C>T

Gene: KCNE3 (potassium voltage-gated channel subfamily E regulatory subunit 3; minus strand). Cytogenetic location: 11q13.4.
Variant type: single nucleotide variant.
Coding change: c.*3C>T on transcript NM_005472.5 (MANE Select); 3 bases downstream of the stop codon, C replaced by T.
Molecular consequence: 3 prime UTR variant.
Genome position (GRCh38, 1-based): chr11:74,457,249, G>A on the plus strand (C>T on the coding strand, the complement: KCNE3 is on the minus strand). VCF-style: chr11-74457249-G-A. GRCh37 (hg19) VCF-style: chr11-74168294-G-A.
Identifiers: ClinVar variation 1259952 (VCV001259952.2), dbSNP rs755835033, ClinGen allele CA6184816.